The following is an entry in ClinVar:

ClinVar aggregate classification (germline): Uncertain significance. Review status: criteria provided, multiple submitters, no conflicts (2 of 4 stars). 2 submissions from 2 submitters: Uncertain significance (2). Last evaluated 2025-11-10.

Conditions:
Hereditary cancer-predisposing syndrome. Also called: Hereditary Cancer Syndrome; Tumor predisposition; Hereditary neoplastic syndrome; Neoplastic Syndromes, Hereditary. Identifiers: Orphanet 140162, MedGen C0027672, MeSH D009386, MONDO:0015356.
Familial cancer of breast. Also called: Hereditary breast cancer; hereditary breast carcinoma; BREAST CANCER, FAMILIAL. Identifiers: Orphanet 227535, MedGen C0346153, MONDO:0016419, OMIM 114480. Disease mechanism: loss of function.

Submissions (2):

Labcorp Genetics (formerly Invitae), Labcorp
Classification: Uncertain significance for Familial cancer of breast. Last evaluated: 2025-11-10. Review status: criteria provided, single submitter. Criteria: Invitae Variant Classification Sherloc (09022015). Collection method: clinical testing. Allele origin: germline.
Comment: This sequence change replaces serine, which is neutral and polar, with proline, which is neutral and non-polar, at codon 397 of the BARD1 protein (p.Ser397Pro). Information on the frequency of this variant in the gnomAD database is not available, as this variant may be reported differently in the database. This variant has not been reported in the literature in individuals affected with BARD1-related conditions. ClinVar contains an entry for this variant (Variation ID: 1045969). Experimental studies and prediction algorithms are not available or were not evaluated, and the functional significance of this variant is currently unknown. In summary, the available evidence is currently insufficient to determine the role of this variant in disease. Therefore, it has been classified as a Variant of Uncertain Significance.

Color Diagnostics, LLC DBA Color Health
Classification: Uncertain significance for Hereditary cancer-predisposing syndrome. Last evaluated: 2023-12-11. Review status: criteria provided, single submitter. Criteria: ACMG Guidelines, 2015. Collection method: clinical testing. Allele origin: germline.
Comment: This missense variant replaces serine with proline at codon 397 of the BARD1 protein. To our knowledge, functional studies have not been reported for this variant. This variant has not been reported in individuals affected with BARD1-related disorders in the literature. This variant has not been identified in the general population by the Genome Aggregation Database (gnomAD). The available evidence is insufficient to determine the role of this variant in disease conclusively. Therefore, this variant is classified as a Variant of Uncertain Significance.

NM_000465.4(BARD1):c.1188_1189delinsAC (p.Ser397Pro)

Gene: BARD1 (BRCA1 associated RING domain 1; minus strand). Cytogenetic location: 2q35.
Variant type: Indel.
Coding change: c.1188_1189delinsAC on transcript NM_000465.4 (MANE Select); coding-DNA positions 1188 to 1189, TT replaced by AC.
Protein change: p.Ser397Pro; replaces serine 397 with proline.
Molecular consequence: missense variant. On other transcripts: non-coding transcript variant (2), intron variant (3).
Genome position (GRCh38, 1-based): chr2:214,780,685-214,780,686, AA replaced by GT on the plus strand (TT replaced by AC on the coding strand, the reverse complement: BARD1 is on the minus strand). VCF-style: chr2-214780685-AA-GT. GRCh37 (hg19) VCF-style: chr2-215645409-AA-GT.
Other names: c.1131_1132delinsAC, p.Ser378Pro (NM_001282543.2); c.159-28131_159-28130delinsAC (NM_001282548.2); c.215+16375_215+16376delinsAC (NM_001282545.2); c.364+11611_364+11612delinsAC (NM_001282549.2); short protein forms S397P, S378P.
Identifiers: ClinVar variation 1045969 (VCV001045969.8), dbSNP rs1694952147, ClinGen allele CA1327070990.